The following is an entry in ClinVar:

ClinVar aggregate classification (germline): Pathogenic/Likely pathogenic. Review status: criteria provided, multiple submitters, no conflicts (2 of 4 stars). 4 submissions from 4 submitters: Pathogenic (3); Likely pathogenic (1). Last evaluated 2024-09-20.

Conditions:
Inborn genetic diseases. Identifiers: MedGen C0950123, MeSH D030342.
Al Kaissi syndrome. Also called: GROWTH RETARDATION, SPINE MALFORMATION, DYSMORPHIC FACIES, AND DEVELOPMENTAL DELAY. Identifiers: MedGen C4540156, MONDO:0044324, OMIM 617694.

Allele frequency attached by ClinVar (database versions not stated): ExAC 0.00010; gnomAD 0.00011; ESP Exome Variant Server 0.00016; gnomAD exomes 0.00005 and 0.00014; TOPMed 0.00009.

Submissions (4):

Revvity Omics, Revvity
Classification: Pathogenic for Al Kaissi syndrome. Last evaluated: 2024-09-20. Review status: criteria provided, single submitter. Criteria: ACMG Guidelines, 2015. Collection method: clinical testing. Allele origin: germline.

GeneDx
Classification: Pathogenic. Last evaluated: 2024-04-25. Review status: criteria provided, single submitter. Criteria: GeneDx Variant Classification Process June 2021. Collection method: clinical testing. Allele origin: germline. Affected: yes.
Comment: Published functional studies demonstrate a damaging effect by affecting the cytoskeleton resulting in fewer and shorter cilia (PMID: 29130579); Frameshift variant predicted to result in protein truncation or nonsense mediated decay in a gene for which loss of function is a known mechanism of disease; This variant is associated with the following publications: (PMID: 29130579, 34369103)

Ambry Genetics
Classification: Likely pathogenic for Inborn genetic diseases. Last evaluated: 2022-09-05. Review status: criteria provided, single submitter. Criteria: Ambry Variant Classification Scheme 2023. Collection method: clinical testing. Allele origin: germline.
Comment: The c.870_871delAT (p.W291Afs*18) alteration, located in exon 11 (coding exon 11) of the CDK10 gene, consists of a deletion of 2 nucleotides from position 870 to 871, causing a translational frameshift with a predicted alternate stop codon after 18 amino acids. This alteration occurs at the 3' terminus of the CDK10 gene, is not expected to trigger nonsense-mediated mRNA decay, and only impacts the last 19% of the protein. However, premature stop codons are typically deleterious in nature and a significant portion of the protein is affected (Ambry internal data). Functional assays suggest that patient cells have impaired primary cilia morphology and ciliogenesis (Guen, 2018). Based on the available evidence, this alteration is classified as likely pathogenic.

Equipe Genetique des Anomalies du Developpement, Université de Bourgogne
Classification: Pathogenic for Al Kaissi syndrome. Review status: criteria provided, single submitter. Criteria: ACMG Guidelines, 2015. Collection method: clinical testing. Allele origin: unknown. Affected: yes.
Comment: Compound heterozygous (other variant: PED1570.11)

Literature cited by the submitters: PubMed 29130579 (cited by Ambry Genetics).

NM_052988.5(CDK10):c.870_871del (p.Trp291fs)

Gene: CDK10 (cyclin dependent kinase 10; plus strand). Cytogenetic location: 16q24.3.
Variant type: Deletion.
Coding change: c.870_871del on transcript NM_052988.5 (MANE Select); coding-DNA positions 870 to 871, 2 bases deleted (AT; older notation c.870_871delAT).
Protein change: p.Trp291fs; shifts the reading frame from tryptophan 291.
Molecular consequence: frameshift variant. On other transcripts: non-coding transcript variant (2).
Genome position (GRCh38, 1-based): chr16:89,695,008-89,695,009, AT deleted. VCF-style (leftmost placement, unchanged base first): chr16-89695007-CAT-C. GRCh37 (hg19) VCF-style: chr16-89761415-CAT-C.
Other names: c.870_871delAT (NM_052988.4); c.657_658del, p.Trp220fs (NM_001098533.3, NM_001160367.2, NM_052987.4); short protein forms W220fs, W291fs.
Identifiers: ClinVar variation 1172607 (VCV001172607.8), dbSNP rs766960979, ClinGen allele CA8248199.